The following is an entry in ClinVar:

ClinVar aggregate classification (germline): Pathogenic (1 of 4 stars; one submission).

Submission:

ISCA site 4
Classification: Pathogenic. Last evaluated: 2011-08-12. Review status: criteria provided, single submitter. Criteria: Kaminsky et al. (Genet Med. 2011). Collection method: clinical testing. Allele origin: unknown. Affected: yes. Observed: 1 variant allele.
Comment: Copy number variation identified through the course of routine clinical cytogenomic testing in postnatal populations. Clinical assertions have been curated as described in Kaminsky et al. 2011.

GRCh38/hg38 6p21.1(chr6:42368558-44590544)x1

Genes: AARS2 (alanyl-tRNA synthetase 2, mitochondrial; minus strand), ABCC10 (ATP binding cassette subfamily C member 10; plus strand), BICRAL (BICRA like chromatin remodeling complex associated protein; plus strand), CAPN11 (calpain 11; plus strand), CDC5L (cell division cycle 5 like; plus strand) and 220 more. Cytogenetic location: 6p21.1.
Variant type: copy number loss.
Change: copy number 1 (one copy instead of two) of chr6:42,368,558-44,590,544 (2.22 Mb, GRCh38 coordinates, 1-based), cytogenetic band 6p21.1.
Identifiers: ClinVar variation 57326 (VCV000057326.1).